The following is an entry in ClinVar:

NM_017934.7(PHIP):c.4677del (p.Ser1560fs)

Genes: IRAK1BP1 (interleukin 1 receptor associated kinase 1 binding protein 1; plus strand), PHIP (pleckstrin homology domain interacting protein; minus strand). Cytogenetic location: 6q14.1.
Variant type: Deletion.
Coding change: c.4677del on transcript NM_017934.7 (MANE Select); coding-DNA position 4677, one base deleted (C; older notation c.4677delC).
Protein change: p.Ser1560fs; shifts the reading frame from serine 1560.
Molecular consequence: frameshift variant.
Genome position (GRCh38, 1-based): chr6:78,945,451, G deleted on the plus strand (C on the coding strand, the reverse complement: PHIP is on the minus strand); the first of 2 consecutive G bases (chr6:78,945,451-78,945,452); deleting either gives the same sequence. VCF-style (leftmost placement, unchanged base first): chr6-78945450-TG-T. GRCh37 (hg19) VCF-style: chr6-79655167-TG-T.
Other names: short protein forms S1560fs.
Identifiers: ClinVar variation 3417737 (VCV003417737.1).

ClinVar aggregate classification (germline): Pathogenic (1 of 4 stars; one submission).

Conditions:
Inborn genetic diseases. Identifiers: MedGen C0950123, MeSH D030342.

Submission:

Ambry Genetics
Classification: Pathogenic for Inborn genetic diseases. Last evaluated: 2024-09-23. Review status: criteria provided, single submitter. Criteria: Ambry Variant Classification Scheme 2023. Collection method: clinical testing. Allele origin: germline.
Comment: The c.4677delC (p.S1560Vfs*30) alteration, located in exon 39 (coding exon 39) of the PHIP gene, consists of a deletion of one nucleotide at position 4677, causing a translational frameshift with a predicted alternate stop codon after 30 amino acids. This alteration is expected to result in loss of function by premature protein truncation or nonsense-mediated mRNA decay. This variant was not reported in population-based cohorts in the Genome Aggregation Database (gnomAD). Based on the available evidence, this alteration is classified as pathogenic.